The following is an entry in ClinVar:

NM_003060.4(SLC22A5):c.1453G>A (p.Ala485Thr)

Gene: SLC22A5 (solute carrier family 22 member 5; plus strand). Cytogenetic location: 5q31.1.
Variant type: single nucleotide variant.
Coding change: c.1453G>A on transcript NM_003060.4 (MANE Select); coding-DNA position 1453, G replaced by A.
Protein change: p.Ala485Thr; replaces alanine 485 with threonine.
Molecular consequence: missense variant.
Genome position (GRCh38, 1-based): chr5:132,393,678, G>A. VCF-style: chr5-132393678-G-A. GRCh37 (hg19) VCF-style: chr5-131729370-G-A.
Other names: c.1525G>A, p.Ala509Thr (NM_001308122.2); short protein forms A485T, A509T.
Identifiers: ClinVar variation 568045 (VCV000568045.11), dbSNP rs145147616, ClinGen allele CA3404176.

ClinVar aggregate classification (germline): Uncertain significance. Review status: criteria provided, single submitter (1 of 4 stars). 2 submissions from 2 submitters: Uncertain significance (1). 1 of the submissions does not count toward it. Last evaluated 2024-09-08.

Conditions:
Decreased circulating carnitine concentration. Also called: Decreased plasma carnitine. Identifiers: MedGen C5848230, HP:0003234.
Renal carnitine transport defect (CDSP). Also called: CARNITINE DEFICIENCY, SYSTEMIC, DUE TO DEFECT IN RENAL REABSORPTION OF CARNITINE; CARNITINE TRANSPORTER, PLASMA-MEMBRANE, DEFICIENCY OF; CARNITINE UPTAKE DEFECT; Carnitine transporter deficiency; Carnitine Deficiency, Systemic; Primary carnitine deficiency. Identifiers: Orphanet 158, MedGen C0342788, MONDO:0008919, OMIM 212140.

Allele frequency attached by ClinVar (database versions not stated): ExAC 0.00001; gnomAD exomes 0.00002; TOPMed 0.00003; gnomAD 0.00004; ESP Exome Variant Server 0.00023.
gnomAD v4.1: 14 of 1,614,044 alleles (0.00087%); highest among the groups gnomAD compares: African/African-American, 0.011%; no homozygotes.

Submissions (2):

Labcorp Genetics (formerly Invitae), Labcorp
Classification: Uncertain significance for Renal carnitine transport defect. Last evaluated: 2024-09-08. Review status: criteria provided, single submitter. Criteria: Invitae Variant Classification Sherloc (09022015). Collection method: clinical testing. Allele origin: germline.
Comment: This sequence change replaces alanine, which is neutral and non-polar, with threonine, which is neutral and polar, at codon 485 of the SLC22A5 protein (p.Ala485Thr). The frequency data for this variant in the population databases is considered unreliable, as metrics indicate poor data quality at this position in the gnomAD database. This variant has not been reported in the literature in individuals affected with SLC22A5-related conditions. ClinVar contains an entry for this variant (Variation ID: 568045). An algorithm developed to predict the effect of missense changes on protein structure and function (PolyPhen-2) suggests that this variant¬†is likely to be tolerated. In summary, the available evidence is currently insufficient to determine the role of this variant in disease. Therefore, it has been classified as a Variant of Uncertain Significance.

Natera, Inc.
Classification: Uncertain significance for Carnitine deficiency. Last evaluated: 2020-08-07. Review status: no assertion criteria provided. Collection method: clinical testing. Allele origin: germline. Not counted in ClinVar's aggregate classification.